The following is an entry in ClinVar:

ClinVar aggregate classification (germline): Uncertain significance (1 of 4 stars; one submission).

Conditions:
Nephronophthisis 14 (NPHP14). Identifiers: Orphanet 2318, MedGen C3539071, MONDO:0013916, OMIM 614844.

Submission:

Labcorp Genetics (formerly Invitae), Labcorp
Classification: Uncertain significance for Nephronophthisis 14. Last evaluated: 2022-10-13. Review status: criteria provided, single submitter. Criteria: Invitae Variant Classification Sherloc (09022015). Collection method: clinical testing. Allele origin: germline.
Comment: Advanced modeling of protein sequence and biophysical properties (such as structural, functional, and spatial information, amino acid conservation, physicochemical variation, residue mobility, and thermodynamic stability) performed at Invitae indicates that this missense variant is not expected to disrupt ZNF423 protein function. This sequence change replaces glutamine, which is neutral and polar, with glutamic acid, which is acidic and polar, at codon 557 of the ZNF423 protein (p.Gln557Glu). This variant is not present in population databases (gnomAD no frequency). This variant has not been reported in the literature in individuals affected with ZNF423-related conditions. ClinVar contains an entry for this variant (Variation ID: 955522). In summary, the available evidence is currently insufficient to determine the role of this variant in disease. Therefore, it has been classified as a Variant of Uncertain Significance.

NM_001379286.1(ZNF423):c.1693C>G (p.Gln565Glu)

Gene: ZNF423 (zinc finger protein 423; minus strand). Cytogenetic location: 16q12.1.
Variant type: single nucleotide variant.
Coding change: c.1693C>G on transcript NM_001379286.1 (MANE Select); coding-DNA position 1693, C replaced by G.
Protein change: p.Gln565Glu; replaces glutamine 565 with glutamic acid.
Molecular consequence: missense variant.
Genome position (GRCh38, 1-based): chr16:49,637,483, G>C on the plus strand (C>G on the coding strand, the complement: ZNF423 is on the minus strand). VCF-style: chr16-49637483-G-C. GRCh37 (hg19) VCF-style: chr16-49671394-G-C.
Other names: c.1489C>G, p.Gln497Glu (NM_001271620.2); c.1318C>G, p.Gln440Glu (NM_001330533.2); c.1669C>G, p.Gln557Glu (NM_015069.5); short protein forms Q565E, Q440E, Q557E, Q497E.
Identifiers: ClinVar variation 955522 (VCV000955522.9), dbSNP rs1482233558, ClinGen allele CA395846903.